The following is an entry in ClinVar:

ClinVar aggregate classification (germline): Uncertain significance (1 of 4 stars; one submission).

Conditions:
Progressive myoclonic epilepsy type 7. Identifiers: Orphanet 435438, MedGen C4015420, MONDO:0014521, OMIM 616187.

Submission:

Labcorp Genetics (formerly Invitae), Labcorp
Classification: Uncertain significance for Progressive myoclonic epilepsy type 7. Last evaluated: 2020-08-20. Review status: criteria provided, single submitter. Criteria: Invitae Variant Classification Sherloc (09022015). Collection method: clinical testing. Allele origin: germline.
Comment: In summary, the available evidence is currently insufficient to determine the role of this variant in disease. Therefore, it has been classified as a Variant of Uncertain Significance. Algorithms developed to predict the effect of sequence changes on RNA splicing suggest that this variant may create or strengthen a splice site, but this prediction has not been confirmed by published transcriptional studies. Algorithms developed to predict the effect of missense changes on protein structure and function (SIFT, PolyPhen-2, Align-GVGD) all suggest that this variant is likely to be tolerated, but these predictions have not been confirmed by published functional studies and their clinical significance is uncertain. This variant has not been reported in the literature in individuals with KCNC1-related conditions. This variant is not present in population databases (ExAC no frequency). This sequence change replaces asparagine with serine at codon 477 of the KCNC1 protein (p.Asn477Ser). The asparagine residue is highly conserved and there is a small physicochemical difference between asparagine and serine.

NM_001112741.2(KCNC1):c.1430A>G (p.Asn477Ser)

Gene: KCNC1 (potassium voltage-gated channel subfamily C member 1; plus strand). Cytogenetic location: 11p15.1.
Variant type: single nucleotide variant.
Coding change: c.1430A>G on transcript NM_001112741.2 (MANE Select); coding-DNA position 1430, A replaced by G.
Protein change: p.Asn477Ser; replaces asparagine 477 with serine.
Molecular consequence: missense variant.
Genome position (GRCh38, 1-based): chr11:17,772,524, A>G. VCF-style: chr11-17772524-A-G. GRCh37 (hg19) VCF-style: chr11-17794071-A-G.
Other names: c.1430A>G, p.Asn477Ser (NM_004976.4); short protein forms N477S.
Identifiers: ClinVar variation 850956 (VCV000850956.10), dbSNP rs1849241725, ClinGen allele CA379810141.